The following is an entry in ClinVar:

ClinVar aggregate classification (germline): Likely benign. Review status: reviewed by expert panel (3 of 4 stars). 2 submissions from 2 submitters: Likely benign (1). 1 of the submissions does not count toward it. Last evaluated 2024-09-10.

Conditions:
Hereditary thrombocytopenia and hematologic cancer predisposition syndrome. Identifiers: Orphanet 71290, MedGen CN281654, MONDO:0011071.
Hereditary thrombocytopenia and hematological cancer predisposition syndrome associated with RUNX1. Also called: Familial Platelet Disorder with Propensity to Acute Myelogenous Leukemia; Familial thrombocytopenia with propensity to acute myelogenous leukemia; PLATELET DISORDER, ASPIRIN-LIKE; RUNX1 Familial Platelet Disorder with Associated Myeloid Malignancies. Identifiers: Orphanet 71290, MedGen C1832388, MeSH C563324, MONDO:0100083, OMIM 601399.

Submissions (2):

ClinGen Myeloid Malignancy Variant Curation Expert Panel
Classification: Likely benign for Hereditary thrombocytopenia and hematologic cancer predisposition syndrome. Last evaluated: 2024-09-10. Review status: reviewed by expert panel. Criteria: ClinGen MyeloMalig ACMG Specifications v2. Collection method: curation. Allele origin: germline. Inheritance: Autosomal dominant inheritance.
Comment: NM_001754.5(RUNX1):c.243G>C (p.Val81=) is a synonymous variant which has a SpliceAI score ≤ 0.20 (0.0) (BP4). This variant has a SpliceAI score ≤ 0.20 (0.0) and evolutionary conservation algorithms predict the site as not being conserved (PhyloP score ≤ 2.0 (0.32)) (BP7). This variant is completely absent from all population databases with at least 20x coverage for RUNX1 (PM2_Supporting). In summary, this variant meets criteria to be classified as likely benign. ACMG/AMP criteria applied, as specified by the Myeloid Malignancy Variant Curation Expert Panel for RUNX1: BP4, BP7, PM2_supporting.

Labcorp Genetics (formerly Invitae), Labcorp
Classification: Likely benign for Hereditary thrombocytopenia and hematological cancer predisposition syndrome associated with RUNX1. Last evaluated: 2023-07-08. Review status: criteria provided, single submitter. Criteria: Invitae Variant Classification Sherloc (09022015). Collection method: clinical testing. Allele origin: germline. Not counted in ClinVar's aggregate classification.

NM_001754.5(RUNX1):c.243G>C (p.Val81=)

Gene: RUNX1 (RUNX family transcription factor 1; minus strand). Cytogenetic location: 21q22.12.
Variant type: single nucleotide variant.
Coding change: c.243G>C on transcript NM_001754.5 (MANE Select); coding-DNA position 243, G replaced by C.
Protein change: p.Val81=; no amino-acid change (valine 81 retained).
Molecular consequence: synonymous variant.
Genome position (GRCh38, 1-based): chr21:34,886,951, C>G on the plus strand (G>C on the coding strand, the complement: RUNX1 is on the minus strand). VCF-style: chr21-34886951-C-G. GRCh37 (hg19) VCF-style: chr21-36259248-C-G.
Other names: NM_001754.5(RUNX1):c.243G>C; p.Val81=; c.162G>C, p.Val54= (NM_001001890.3, NM_001122607.2).
Identifiers: ClinVar variation 2058837 (VCV002058837.5), dbSNP rs2146410848, ClinGen allele CA512318895.
Genomic context (GRCh38, chr21:34,886,951, plus strand): 5'-CACGGAGCAGAGGAAGTTGGGGCTGTCGGTGCGCACCAGCTCGCCCGGGTGGTCGGCCAG[C>G]ACCTCCACCATGCTGCGGTCGCCGCTCCTCAGCTTGCCGGCCAGGGCAGCGCCGGCGTCC-3'
Protein context (NP_001745.2, residues 71-91): LRSGDRSMVE[Val81=]LADHPGELVR